The following is an entry in ClinVar:

NM_000535.7(PMS2):c.706-9T>C

Gene: PMS2 (PMS1 homolog 2, mismatch repair system component; minus strand). Cytogenetic location: 7p22.1.
Variant type: single nucleotide variant.
Coding change: c.706-9T>C on transcript NM_000535.7 (MANE Select); 9 bases into the intron before coding-DNA position 706, T replaced by C.
Molecular consequence: intron variant.
Genome position (GRCh38, 1-based): chr7:5,997,432, A>G on the plus strand (T>C on the coding strand, the complement: PMS2 is on the minus strand). VCF-style: chr7-5997432-A-G. GRCh37 (hg19) VCF-style: chr7-6037063-A-G.
Other names: c.388-9T>C (NM_001322008.2, NM_001406902.1, NM_001406883.1 and 4 more transcripts); c.397-9T>C (NM_001406881.1, NM_001406879.1, NM_001322015.2 and 6 more transcripts); c.301-9T>C (NM_001406895.1, NM_001322010.2, NM_001322004.2 and 19 more transcripts); c.132+5021T>C (NM_001406911.1); c.193-9T>C (NM_001406904.1, NM_001406905.1); c.133-9T>C (NM_001322013.2, NM_001406909.1); c.-228-9T>C (NM_001322012.2, NM_001322011.2); c.370-9T>C (NM_001406885.1); and 7 more.
Identifiers: ClinVar variation 3903508 (VCV003903508.1).

ClinVar aggregate classification (germline): Likely benign (1 of 4 stars; one submission).

Conditions:
Lynch syndrome 4 (LYNCH4). Also called: Colorectal cancer, hereditary nonpolyposis, type 4; Hereditary non-polyposis colorectal cancer, type 4. Identifiers: Orphanet 144, MedGen C1838333, MONDO:0013699, OMIM 614337. Disease mechanism: loss of function.

gnomAD v4.1: 2 of 1,502,524 alleles (0.00013%); highest among the groups gnomAD compares: Non-Finnish European, 0.000092%; no homozygotes.

Submission:

Myriad Genetics, Inc.
Classification: Likely benign for Lynch syndrome 4. Last evaluated: 2025-01-28. Review status: criteria provided, single submitter. Criteria: Myriad Autosomal Dominant, Autosomal Recessive and X-Linked Classification Criteria (2023). Collection method: clinical testing. Allele origin: unknown.
Comment: This variant is considered likely benign. This variant is intronic and is not expected to impact mRNA splicing.